The following is an entry in ClinVar:

NM_005236.3(ERCC4):c.1903A>C (p.Arg635=)

Gene: ERCC4 (ERCC excision repair 4, endonuclease catalytic subunit; plus strand). Cytogenetic location: 16p13.12.
Variant type: single nucleotide variant.
Coding change: c.1903A>C on transcript NM_005236.3 (MANE Select); coding-DNA position 1903, A replaced by C.
Protein change: p.Arg635=; no amino-acid change (arginine 635 retained).
Molecular consequence: synonymous variant.
Genome position (GRCh38, 1-based): chr16:13,937,857, A>C. VCF-style: chr16-13937857-A-C. GRCh37 (hg19) VCF-style: chr16-14031714-A-C.
Identifiers: ClinVar variation 2943114 (VCV002943114.3), dbSNP rs771488066, ClinGen allele CA7910588.

ClinVar aggregate classification (germline): Uncertain significance (1 of 4 stars; one submission).

Conditions:
Xeroderma pigmentosum, group F (XPF). Also called: XERODERMA PIGMENTOSUM, COMPLEMENTATION GROUP F; XERODERMA PIGMENTOSUM VI; XP, GROUP F; ERCC4-Related Xeroderma Pigmentosum; XERODERMA PIGMENTOSUM, TYPE F; Xeroderma pigmentosum, type 6. Identifiers: MedGen C0268140, MONDO:0010215, OMIM 278760.
Fanconi anemia complementation group Q. Identifiers: Orphanet 84, MedGen C3808988, MONDO:0014108, OMIM 615272.
Cockayne syndrome. Identifiers: Orphanet 191, MedGen C0009207, MONDO:0016006.

Allele frequency attached by ClinVar (database versions not stated): gnomAD exomes below 0.00001; ExAC 0.00001.
gnomAD v4.1: 1 of 1,595,882 alleles (0.000063%); highest among the groups gnomAD compares: Non-Finnish European, 0.000086%; no homozygotes.

Submission:

Labcorp Genetics (formerly Invitae), Labcorp
Classification: Uncertain significance for Fanconi anemia complementation group Q; Xeroderma pigmentosum, group F; Cockayne syndrome. Last evaluated: 2023-09-27. Review status: criteria provided, single submitter. Criteria: Invitae Variant Classification Sherloc (09022015). Collection method: clinical testing. Allele origin: germline.
Comment: In summary, the available evidence is currently insufficient to determine the role of this variant in disease. Therefore, it has been classified as a Variant of Uncertain Significance. Algorithms developed to predict the effect of sequence changes on RNA splicing suggest that this variant may disrupt the consensus splice site. This variant has not been reported in the literature in individuals affected with ERCC4-related conditions. This variant is present in population databases (rs771488066, gnomAD 0.0009%). This sequence change affects codon 635 of the ERCC4 mRNA. It is a 'silent' change, meaning that it does not change the encoded amino acid sequence of the ERCC4 protein. It affects a nucleotide within the consensus splice site.